The following is an entry in ClinVar:

ClinVar aggregate classification (germline): Benign/Likely benign. Review status: criteria provided, multiple submitters, no conflicts (2 of 4 stars). 11 submissions from 11 submitters: Benign (7); Likely benign (1). 3 of the submissions do not count toward it. Last evaluated 2026-05-08.

Conditions:
Iodotyrosyl coupling defect (TDH3). Also called: THYROID HORMONOGENESIS, GENETIC DEFECT IN, 3; HYPOTHYROIDISM, CONGENITAL, DUE TO DYSHORMONOGENESIS, 3. Identifiers: Orphanet 95716, MedGen C0342194, MONDO:0010135, OMIM 274700.
Autoimmune thyroid disease, susceptibility to, 3. Identifiers: MedGen C1842444, MONDO:0011982, OMIM 608175.

Allele frequency attached by ClinVar (database versions not stated): gnomAD exomes 0.53553 and 0.58165; ExAC 0.58417; gnomAD 0.60247 and 0.60503; TOPMed 0.60863; 1000 Genomes Project 30x 0.67380; 1000 Genomes Project 0.67492.

Submissions (11):

Women's Health and Genetics/Laboratory Corporation of America, LabCorp
Classification: Benign. Last evaluated: 2026-05-08. Review status: criteria provided, single submitter. Criteria: LabCorp Variant Classification Summary - May 2015. Collection method: clinical testing. Allele origin: germline.

Labcorp Genetics (formerly Invitae), Labcorp
Classification: Benign. Last evaluated: 2026-02-04. Review status: criteria provided, single submitter. Criteria: Invitae Variant Classification Sherloc (09022015). Collection method: clinical testing. Allele origin: germline.

Blueprint Genetics
Classification: Likely benign. Last evaluated: 2024-11-27. Review status: criteria provided, single submitter. Criteria: ACMG Guidelines, 2015. Collection method: clinical testing. Allele origin: germline.

Genome-Nilou Lab
Classification: Benign for Iodotyrosyl coupling defect. Last evaluated: 2021-09-10. Review status: criteria provided, single submitter. Criteria: ACMG Guidelines, 2015. Collection method: clinical testing. Allele origin: germline. Affected: no.

GeneDx
Classification: Benign. Last evaluated: 2020-03-24. Review status: criteria provided, single submitter. Criteria: GeneDx Variant Classification Process June 2021. Collection method: clinical testing. Allele origin: germline. Affected: yes.

Illumina Laboratory Services, Illumina
Classification: Benign for Iodotyrosyl coupling defect. Last evaluated: 2018-01-13. Review status: criteria provided, single submitter. Criteria: ICSL Variant Classification Criteria 13 December 2019. Collection method: clinical testing. Allele origin: germline.
Comment: This variant was observed in the ICSL laboratory as part of a predisposition screen in an ostensibly healthy population. It had not been previously curated by ICSL or reported in the Human Gene Mutation Database (HGMD: prior to June 1st, 2018), and was therefore a candidate for classification through an automated scoring system. Utilizing variant allele frequency, disease prevalence and penetrance estimates, and inheritance mode, an automated score was calculated to assess if this variant is too frequent to cause the disease. Based on the score and internal cut-off values, a variant classified as benign is not then subjected to further curation. The score for this variant resulted in a classification of benign for this disease.

Breakthrough Genomics
Classification: Benign. Review status: criteria provided, single submitter. Criteria: ACMG Guidelines, 2015. Collection method: not provided. Allele origin: germline. Inheritance: Autosomal recessive inheritance. Affected: yes.

PreventionGenetics, part of Exact Sciences
Classification: Benign. Review status: criteria provided, single submitter. Criteria: ACMG Guidelines, 2015. Collection method: clinical testing. Allele origin: germline.

OMIM
Classification: risk factor for AUTOIMMUNE THYROID DISEASE, SUSCEPTIBILITY TO, 3. Last evaluated: 2004-12-01. Review status: no assertion criteria provided. Collection method: literature only. Allele origin: germline. Not counted in ClinVar's aggregate classification.

Clinical Genetics, Academic Medical Center
Classification: Benign. Review status: no assertion criteria provided. Collection method: clinical testing. Allele origin: germline. Affected: yes. Study: VKGL Data-share Consensus. Not counted in ClinVar's aggregate classification.

Diagnostic Laboratory, Department of Genetics, University Medical Center Groningen
Classification: Benign. Review status: no assertion criteria provided. Collection method: clinical testing. Allele origin: germline. Affected: yes. Study: VKGL Data-share Consensus. Not counted in ClinVar's aggregate classification.

Literature cited by the submitters: PubMed 14657345 (cited by OMIM); PubMed 15579800 (cited by OMIM).

NM_003235.5(TG):c.3082A>G (p.Met1028Val)

Gene: TG (thyroglobulin; plus strand). Cytogenetic location: 8q24.22.
Variant type: single nucleotide variant.
Coding change: c.3082A>G on transcript NM_003235.5 (MANE Select); coding-DNA position 3082, A replaced by G.
Protein change: p.Met1028Val; replaces methionine 1028 with valine.
Molecular consequence: missense variant.
Genome position (GRCh38, 1-based): chr8:132,897,729, A>G. VCF-style: chr8-132897729-A-G. GRCh37 (hg19) VCF-style: chr8-133909974-A-G.
Other names: M1027V; short protein forms M1028V.
Identifiers: ClinVar variation 12698 (VCV000012698.19), dbSNP rs853326, ClinGen allele CA122638.
Genomic context (GRCh38, chr8:132,897,729, plus strand): 5'-CGCCGCTTTTCCCCGGACGACTCGGCTGGAGCATCCGCCCTTCTGCGGTCGGGCCCCTAC[A>G]TGCCACAGTGTGATGCGTTTGGAAGTTGGGAGCCTGTGCAGTGCCACGCTGGGACTGGTA-3'
Protein context (NP_003226.4, residues 1018-1038): ASALLRSGPY[Met1028Val]PQCDAFGSWE